The following is an entry in ClinVar:

ClinVar aggregate classification (germline): Pathogenic (1 of 4 stars; one submission).

Submission:

Labcorp Genetics (formerly Invitae), Labcorp
Classification: Pathogenic. Last evaluated: 2022-12-21. Review status: criteria provided, single submitter. Criteria: Invitae Variant Classification Sherloc (09022015). Collection method: clinical testing. Allele origin: germline.
Comment: For these reasons, this variant has been classified as Pathogenic. This variant has not been reported in the literature in individuals affected with CCDC88C-related conditions. This variant is not present in population databases (gnomAD no frequency). This sequence change creates a premature translational stop signal (p.Val380Serfs*3) in the CCDC88C gene. It is expected to result in an absent or disrupted protein product. Loss-of-function variants in CCDC88C are known to be pathogenic (PMID: 23042809, 29225145).

Literature cited by the submitters: PubMed 23042809; PubMed 29225145.

NM_001080414.4(CCDC88C):c.1137dup (p.Val380fs)

Gene: CCDC88C (coiled-coil and HOOK domain protein 88C; minus strand). Cytogenetic location: 14q32.11.
Variant type: Duplication.
Coding change: c.1137dup on transcript NM_001080414.4 (MANE Select); coding-DNA position 1137, one base duplicated (A; older notation c.1137dupA).
Protein change: p.Val380fs; shifts the reading frame from valine 380.
Molecular consequence: frameshift variant.
Genome position (GRCh38, 1-based): chr14:91,325,970, T duplicated on the plus strand (A on the coding strand, the reverse complement: CCDC88C is on the minus strand); the first of 3 consecutive T bases (chr14:91,325,970-91,325,972); duplicating any one gives the same sequence. VCF-style (leftmost placement, unchanged base first): chr14-91325969-C-CT. GRCh37 (hg19) VCF-style: chr14-91792313-C-CT.
Other names: short protein forms V380fs.
Identifiers: ClinVar variation 2983285 (VCV002983285.3), dbSNP rs749446170, ClinGen allele CA2626130653.